The following is an entry in ClinVar:

ClinVar aggregate classification (germline): Uncertain significance (1 of 4 stars; one submission).

Conditions:
Inborn genetic diseases. Identifiers: MedGen C0950123, MeSH D030342.

Submission:

Ambry Genetics
Classification: Uncertain significance for Inborn genetic diseases. Last evaluated: 2024-11-09. Review status: criteria provided, single submitter. Criteria: Ambry Variant Classification Scheme 2023. Collection method: clinical testing. Allele origin: germline.
Comment: The p.D107H variant (also known as c.319G>C), located in coding exon 3 of the EPAS1 gene, results from a G to C substitution at nucleotide position 319. The aspartic acid at codon 107 is replaced by histidine, an amino acid with similar properties. This amino acid position is conserved. In addition, the in silico prediction for this alteration is inconclusive. Based on the available evidence, the clinical significance of this variant remains unclear.

NM_001430.5(EPAS1):c.319G>C (p.Asp107His)

Gene: EPAS1 (endothelial PAS domain protein 1; plus strand). Cytogenetic location: 2p21.
Variant type: single nucleotide variant.
Coding change: c.319G>C on transcript NM_001430.5 (MANE Select); coding-DNA position 319, G replaced by C.
Protein change: p.Asp107His; replaces aspartic acid 107 with histidine.
Molecular consequence: missense variant.
Genome position (GRCh38, 1-based): chr2:46,356,252, G>C. VCF-style: chr2-46356252-G-C. GRCh37 (hg19) VCF-style: chr2-46583391-G-C.
Other names: short protein forms D107H.
Identifiers: ClinVar variation 3509020 (VCV003509020.1).